The following is an entry in ClinVar:

ClinVar aggregate classification (germline): Conflicting classifications of pathogenicity. Review status: criteria provided, conflicting classifications (1 of 4 stars). 3 submissions from 3 submitters: Uncertain significance (1); Likely benign (1). 1 of the submissions does not count toward it. Last evaluated 2024-12-09.

Conditions:
DYRK1B-related disorder. Also called: DYRK1B-related condition.

Allele frequency attached by ClinVar (database versions not stated): gnomAD 0.00020; TOPMed 0.00027; gnomAD exomes 0.00032.
gnomAD v4.1: 482 of 1,548,276 alleles (0.031%); highest among the groups gnomAD compares: Non-Finnish European, 0.038%; no homozygotes.

Submissions (3):

Labcorp Genetics (formerly Invitae), Labcorp
Classification: Uncertain significance. Last evaluated: 2024-12-09. Review status: criteria provided, single submitter. Criteria: Invitae Variant Classification Sherloc (09022015). Collection method: clinical testing. Allele origin: germline.
Comment: This sequence change falls in intron 2 of the DYRK1B gene. It does not directly change the encoded amino acid sequence of the DYRK1B protein. It affects a nucleotide within the consensus splice site. This variant is present in population databases (rs765779420, gnomAD 0.04%), and has an allele count higher than expected for a pathogenic variant. This variant has not been reported in the literature in individuals affected with DYRK1B-related conditions. ClinVar contains an entry for this variant (Variation ID: 2047018). Variants that disrupt the consensus splice site are a relatively common cause of aberrant splicing (PMID: 17576681, 9536098). Algorithms developed to predict the effect of sequence changes on RNA splicing suggest that this variant is not likely to affect RNA splicing. In summary, the available evidence is currently insufficient to determine the role of this variant in disease. Therefore, it has been classified as a Variant of Uncertain Significance.

Blueprint Genetics
Classification: Likely benign. Last evaluated: 2024-11-26. Review status: criteria provided, single submitter. Criteria: ACMG Guidelines, 2015. Collection method: clinical testing. Allele origin: germline.

PreventionGenetics, part of Exact Sciences
Classification: Likely benign for DYRK1B-related condition. Last evaluated: 2022-03-18. Review status: no assertion criteria provided. Collection method: clinical testing. Allele origin: germline. Not counted in ClinVar's aggregate classification.
Comment: This variant is classified as likely benign based on ACMG/AMP sequence variant interpretation guidelines (Richards et al. 2015 PMID: 25741868, with internal and published modifications).

Literature cited by the submitters: PubMed 17576681 (cited by Labcorp Genetics (formerly Invitae), Labcorp); PubMed 9536098 (cited by Labcorp Genetics (formerly Invitae), Labcorp).

NM_004714.3(DYRK1B):c.63+4C>T

Gene: DYRK1B (dual specificity tyrosine phosphorylation regulated kinase 1B; minus strand). Cytogenetic location: 19q13.2.
Variant type: single nucleotide variant.
Coding change: c.63+4C>T on transcript NM_004714.3 (MANE Select); 4 bases into the intron after coding-DNA position 63, C replaced by T.
Molecular consequence: intron variant.
Genome position (GRCh38, 1-based): chr19:39,831,801, G>A on the plus strand (C>T on the coding strand, the complement: DYRK1B is on the minus strand). VCF-style: chr19-39831801-G-A. GRCh37 (hg19) VCF-style: chr19-40322441-G-A.
Other names: c.63+4C>T (NM_006483.3, NM_006484.3, NM_004714.2).
Identifiers: ClinVar variation 2047018 (VCV002047018.7), dbSNP rs765779420, ClinGen allele CA9434462.